The following is an entry in ClinVar:

NM_003060.4(SLC22A5):c.77G>A (p.Ser26Asn)

Gene: SLC22A5 (solute carrier family 22 member 5; plus strand). Cytogenetic location: 5q31.1.
Variant type: single nucleotide variant.
Coding change: c.77G>A on transcript NM_003060.4 (MANE Select); coding-DNA position 77, G replaced by A.
Protein change: p.Ser26Asn; replaces serine 26 with asparagine.
Molecular consequence: missense variant.
Genome position (GRCh38, 1-based): chr5:132,370,049, G>A. VCF-style: chr5-132370049-G-A. GRCh37 (hg19) VCF-style: chr5-131705741-G-A.
Other names: p.Ser26Asn; c.77G>A, p.Ser26Asn (NM_001308122.2); short protein forms S26N.
Identifiers: ClinVar variation 379259 (VCV000379259.19), dbSNP rs772578415, ClinGen allele CA3403778.

ClinVar aggregate classification (germline): Pathogenic/Likely pathogenic. Review status: criteria provided, multiple submitters, no conflicts (2 of 4 stars). 8 submissions from 8 submitters: Pathogenic (1); Likely pathogenic (6). 1 of the submissions does not count toward it. Last evaluated 2026-04-21.

Conditions:
Carnitine deficiency. Identifiers: MedGen C1142132.
SLC22A5-related disorder. Also called: SLC22A5-related condition.
Renal carnitine transport defect (CDSP). Also called: CARNITINE DEFICIENCY, SYSTEMIC, DUE TO DEFECT IN RENAL REABSORPTION OF CARNITINE; CARNITINE TRANSPORTER, PLASMA-MEMBRANE, DEFICIENCY OF; CARNITINE UPTAKE DEFECT; Primary carnitine deficiency; Systemic primary carnitine deficiency; Carnitine transporter deficiency. Identifiers: Orphanet 158, MedGen C0342788, MONDO:0008919, OMIM 212140.

Allele frequency attached by ClinVar (database versions not stated): ExAC 0.00003; TOPMed below 0.00001; gnomAD 0.00001; gnomAD exomes 0.00001 and 0.00002.
gnomAD v4.1: 24 of 1,613,298 alleles (0.0015%); highest among the groups gnomAD compares: Non-Finnish European, 0.0019%; no homozygotes.

Submissions (8):

Myriad Genetics, Inc.
Classification: Likely pathogenic for Renal carnitine transport defect. Last evaluated: 2026-04-21. Review status: criteria provided, single submitter. Criteria: Myriad Autosomal Dominant, Autosomal Recessive and X-Linked Classification Criteria (2023). Collection method: clinical testing. Allele origin: unknown.
Comment: NM_003060.3(SLC22A5):c.77G>A(S26N) is a missense variant classified as likely pathogenic in the context of primary carnitine deficiency. S26N has been observed in a case with relevant disease (PMID: 21922592). Relevant functional assessments of this variant are available in the literature (PMID: 21922592, 36343260). Internal structural analysis of the variant is supportive of pathogenicity. S26N has been observed in referenced population frequency databases. In summary, NM_003060.3(SLC22A5):c.77G>A(S26N) is a missense variant that has been observed more frequently in cases with the relevant disease than in healthy populations. Please note: this variant was assessed in the context of healthy population screening.

Labcorp Genetics (formerly Invitae), Labcorp
Classification: Likely pathogenic for Renal carnitine transport defect. Last evaluated: 2025-09-08. Review status: criteria provided, single submitter. Criteria: Invitae Variant Classification Sherloc (09022015). Collection method: clinical testing. Allele origin: germline.
Comment: This sequence change replaces serine, which is neutral and polar, with asparagine, which is neutral and polar, at codon 26 of the SLC22A5 protein (p.Ser26Asn). This variant is present in population databases (rs772578415, gnomAD 0.003%). This missense change has been observed in individual(s) with primary carnitine deficiency (PMID: 21922592). ClinVar contains an entry for this variant (Variation ID: 379259). Invitae Evidence Modeling of protein sequence and biophysical properties (such as structural, functional, and spatial information, amino acid conservation, physicochemical variation, residue mobility, and thermodynamic stability) indicates that this missense variant is expected to disrupt SLC22A5 protein function with a positive predictive value of 95%. Experimental studies have shown that this missense change affects SLC22A5 function (PMID: 21922592, 28841266, 36343260). In summary, the currently available evidence indicates that the variant is pathogenic, but additional data are needed to prove that conclusively. Therefore, this variant has been classified as Likely Pathogenic.

Natera, Inc.
Classification: Likely pathogenic for Carnitine deficiency. Last evaluated: 2024-03-25. Review status: criteria provided, single submitter. Criteria: Natera Variant Classification Schema (03/2026). Collection method: clinical testing. Allele origin: germline.
Comment: The c.77G>A variant in SLC22A5 is a missense variant predicted to cause substitution of serine to asparagine at amino acid 26. This variant is rare in the general population with a frequency below the threshold expected for the associated phenotype(s). This variant has been observed in one or more individuals affected with the associated recessive disease, as either homozygous or compound heterozygous with a second variant (PMID: 28841266). This variant has been identified in one or more affected individual with a phenotype highly consistent with the associated gene (PMID: 28841266). Functional studies show that this variant may disrupt protein function (PMID: 21922592, 28841266). Given the available evidence, this variant is classified as Likely Pathogenic.

Revvity Omics, Revvity
Classification: Likely pathogenic for Renal carnitine transport defect. Last evaluated: 2023-12-07. Review status: criteria provided, single submitter. Criteria: ACMG Guidelines, 2015. Collection method: clinical testing. Allele origin: germline.

Blueprint Genetics
Classification: Likely pathogenic for SLC22A5-related disorders. Last evaluated: 2022-07-19. Review status: criteria provided, single submitter. Criteria: ACMG Guidelines, 2015. Collection method: clinical testing. Allele origin: germline. Affected: yes. Observed: 2 variant alleles.

Genome-Nilou Lab
Classification: Likely pathogenic for Renal carnitine transport defect. Last evaluated: 2021-07-15. Review status: criteria provided, single submitter. Criteria: ACMG Guidelines, 2015. Collection method: clinical testing. Allele origin: germline. Affected: no.

GeneDx
Classification: Pathogenic. Last evaluated: 2015-03-07. Review status: criteria provided, single submitter. Criteria: GeneDx Variant Classification (06012015). Collection method: clinical testing. Allele origin: germline. Affected: yes.
Comment: Functional analysis of the S26N substitution found that it is associated with significantly reduced carnitine transport (Rose et al., 2012). Therefore, we interpret S26N as a pathogenic variant.

Giacomini Lab, University of California, San Francisco
Classification: Uncertain significance for Renal carnitine transport defect. Last evaluated: 2022-10-03. Review status: flagged submission. Criteria: ACMG Guidelines, 2015. Collection method: research, in vitro. Allele origin: germline, not applicable. Not counted in ClinVar's aggregate classification.
ClinVar note: Reason: Outlier claim with insufficient supporting evidence

Literature cited by the submitters: PubMed 21922592 (cited by 3 submitters); PubMed 36343260 (cited by Myriad Genetics, Inc. and Labcorp Genetics (formerly Invitae), Labcorp); PubMed 28841266 (cited by Labcorp Genetics (formerly Invitae), Labcorp and Natera, Inc.).